The following is an entry in ClinVar:

NM_003124.5(SPR):c.448A>G (p.Arg150Gly)

Gene: SPR (sepiapterin reductase; plus strand). Cytogenetic location: 2p13.2.
Variant type: single nucleotide variant.
Coding change: c.448A>G on transcript NM_003124.5 (MANE Select); coding-DNA position 448, A replaced by G.
Protein change: p.Arg150Gly; replaces arginine 150 with glycine.
Molecular consequence: missense variant.
Genome position (GRCh38, 1-based): chr2:72,888,457, A>G. VCF-style: chr2-72888457-A-G. GRCh37 (hg19) VCF-style: chr2-73115586-A-G.
Other names: short protein forms R150G.
Identifiers: ClinVar variation 12941 (VCV000012941.61), dbSNP rs104893665, ClinGen allele CA122793.

ClinVar aggregate classification (germline): Pathogenic. Review status: criteria provided, multiple submitters, no conflicts (2 of 4 stars). 9 submissions from 9 submitters: Pathogenic (7). 2 of the submissions do not count toward it. Last evaluated 2025-11-18.

Conditions:
SPR-related disorder. Also called: SPR-related condition.
Dystonic disorder. Also called: Dystonia. Identifiers: MedGen C0013421, MONDO:0003441, HP:0001332.
Dopa-responsive dystonia due to sepiapterin reductase deficiency. Also called: DYT-SPR; SPR DEFICIENCY; Sepiapterin reductase deficiency. Identifiers: Orphanet 70594, MedGen C0268468, MONDO:0012994, OMIM 612716.

Allele frequency attached by ClinVar (database versions not stated): ExAC 0.00006; gnomAD 0.00006; gnomAD exomes 0.00006 and 0.00009; TOPMed 0.00006.

Submissions (9):

Labcorp Genetics (formerly Invitae), Labcorp
Classification: Pathogenic for Dystonic disorder. Last evaluated: 2025-11-18. Review status: criteria provided, single submitter. Criteria: Invitae Variant Classification Sherloc (09022015). Collection method: clinical testing. Allele origin: germline.
Comment: This sequence change replaces arginine, which is basic and polar, with glycine, which is neutral and non-polar, at codon 150 of the SPR protein (p.Arg150Gly). This variant is present in population databases (rs104893665, gnomAD 0.02%). This missense change has been observed in individual(s) with sepiapterin reductase deficiency (PMID: 11443547, 21431957, 21677200, 23430877, 24212389). In at least one individual the data is consistent with being in trans (on the opposite chromosome) from a pathogenic variant. It has also been observed to segregate with disease in related individuals. ClinVar contains an entry for this variant (Variation ID: 12941). Invitae Evidence Modeling of protein sequence and biophysical properties (such as structural, functional, and spatial information, amino acid conservation, physicochemical variation, residue mobility, and thermodynamic stability) indicates that this missense variant is expected to disrupt SPR protein function with a positive predictive value of 80%. Experimental studies have shown that this missense change affects SPR function (PMID: 11443547). For these reasons, this variant has been classified as Pathogenic.

Fulgent Genetics
Classification: Pathogenic for Dopa-responsive dystonia due to sepiapterin reductase deficiency. Last evaluated: 2024-06-03. Review status: criteria provided, single submitter. Criteria: ACMG Guidelines, 2015. Collection method: clinical testing. Allele origin: germline.

GeneDx
Classification: Pathogenic. Last evaluated: 2023-05-11. Review status: criteria provided, single submitter. Criteria: GeneDx Variant Classification Process June 2021. Collection method: clinical testing. Allele origin: germline. Affected: yes.
Comment: Published functional studies demonstrate absent sepiapterin reductase enzyme activity in vitro (Bonafe et al., 2001); In silico analysis supports that this missense variant has a deleterious effect on protein structure/function; This variant is associated with the following publications: (PMID: 24212389, 16917893, 19491146, 28516087, 21677200, 11443547, 17159114, 27080360, 26123188, 23430877, 22522443, 21431957, 33977029, 30799092, 31589614)

Molecular Genetics, Royal Melbourne Hospital
Classification: Pathogenic for Dopa-responsive dystonia due to sepiapterin reductase deficiency. Last evaluated: 2022-08-04. Review status: criteria provided, single submitter. Criteria: ACMG Guidelines, 2015. Collection method: clinical testing. Allele origin: germline.
Comment: This sequence change in SPR is predicted to replace arginine with glycine at codon 150, p.(Arg150Gly). The arginine residue is highly conserved (100 vertebrates, UCSC), and is located in a beta-strand. There is a large physicochemical difference between arginine and glycine. The highest population minor allele frequency in gnomAD v2.1 is 0.02% (7/35,402 alleles) in the Latino/admixed American population, which is consistent with a recessive condition. This variant has been detected in at least ten individuals with sepiapterin reductase deficiency. Of those individuals, two individuals were homozygous and 8 were compound heterozygous for the variant and a pathogenic or likely pathogenic variant and one of those was confirmed in trans by parental testing (PMID: 11443547, 17159114, 19491146, 22522443). The variant demonstrates deficient enzyme activity in an in vitro functional assay (PMID: 11443547). Multiple lines of computational evidence predict a deleterious effect for the missense substitution (5/6 algorithms). Based on the classification scheme RMH Modified ACMG Guidelines v1.5.1, this variant is classified as PATHOGENIC. Following criteria are met: PM3_VeryStrong, PS3_Supporting, PM2_Supporting, PP3.

Revvity Omics, Revvity
Classification: Pathogenic for Dopa-responsive dystonia due to sepiapterin reductase deficiency. Last evaluated: 2022-01-27. Review status: criteria provided, single submitter. Criteria: ACMG Guidelines, 2015. Collection method: clinical testing. Allele origin: germline.

Women's Health and Genetics/Laboratory Corporation of America, LabCorp
Classification: Pathogenic for Dopa-responsive dystonia due to sepiapterin reductase deficiency. Last evaluated: 2019-11-15. Review status: criteria provided, single submitter. Criteria: LabCorp Variant Classification Summary - May 2015. Collection method: clinical testing. Allele origin: germline.
Comment: Variant summary: SPR c.448A>G (p.Arg150Gly) results in a non-conservative amino acid change in the encoded protein sequence. Four of five in-silico tools predict a damaging effect of the variant on protein function. The variant allele was found at a frequency of 5.6e-05 in 251238 control chromosomes (gnomAD). The variant, c.448A>G, has been reported in the literature in multiple homozygous- and compound heterozygous individuals affected with Sepiapterin reductase deficiency (e.g. Bonafe_2001, Clot_2009, Friedman_2012). These data indicate that the variant is very likely to be associated with disease. At least one publication, Bonafe_2001, reported that the variant almost completely abolished the enzyme activity. Three ClinVar submitters (evaluation after 2014) cite the variant as pathogenic. Based on the evidence outlined above, the variant was classified as pathogenic.

CeGaT Center for Human Genetics Tuebingen
Classification: Pathogenic. Last evaluated: 2019-04-01. Review status: criteria provided, single submitter. Criteria: CeGaT Center For Human Genetics Tuebingen Variant Classification Criteria Version 2. Collection method: clinical testing. Allele origin: germline. Affected: yes. Observed: 2 variant alleles.

PreventionGenetics, part of Exact Sciences
Classification: Pathogenic for SPR-related condition. Last evaluated: 2023-12-21. Review status: no assertion criteria provided. Collection method: clinical testing. Allele origin: germline. Not counted in ClinVar's aggregate classification.
Comment: The SPR c.448A>G variant is predicted to result in the amino acid substitution p.Arg150Gly. This variant has been reported to be causative for dopa-responsive dystonia due to sepiapterin reductase deficiency (Bonafé et al. 2001. PubMed ID: 11443547; Leuzzi et al. 2013. PubMed ID: 24212389; Thibert et al. 2012. PubMed ID: 23430877). This variant is reported in 0.020% of alleles in individuals of Latino descent in gnomAD. This variant is interpreted as pathogenic.

OMIM
Classification: Pathogenic for DYSTONIA, DOPA-RESPONSIVE, DUE TO SEPIAPTERIN REDUCTASE DEFICIENCY. Last evaluated: 2006-12-12. Review status: no assertion criteria provided. Collection method: literature only. Allele origin: germline. Not counted in ClinVar's aggregate classification.

Literature cited by the submitters: PubMed 11443547 (cited by 4 submitters); PubMed 21431957 (cited by Labcorp Genetics (formerly Invitae), Labcorp); PubMed 21677200 (cited by Labcorp Genetics (formerly Invitae), Labcorp); PubMed 23430877 (cited by Labcorp Genetics (formerly Invitae), Labcorp); PubMed 24212389 (cited by Labcorp Genetics (formerly Invitae), Labcorp); PubMed 17159114 (cited by Molecular Genetics, Royal Melbourne Hospital and OMIM); PubMed 19491146 (cited by Molecular Genetics, Royal Melbourne Hospital and Women's Health and Genetics/Laboratory Corporation of America, LabCorp); PubMed 22522443 (cited by Molecular Genetics, Royal Melbourne Hospital and Women's Health and Genetics/Laboratory Corporation of America, LabCorp).